The following is an entry in ClinVar:

NM_001166108.2(PALLD):c.481A>C (p.Lys161Gln)

Gene: PALLD (palladin, cytoskeletal associated protein; plus strand). Cytogenetic location: 4q32.3.
Variant type: single nucleotide variant.
Coding change: c.481A>C on transcript NM_001166108.2 (MANE Select); coding-DNA position 481, A replaced by C.
Protein change: p.Lys161Gln; replaces lysine 161 with glutamine.
Molecular consequence: missense variant.
Genome position (GRCh38, 1-based): chr4:168,511,985, A>C. VCF-style: chr4-168511985-A-C. GRCh37 (hg19) VCF-style: chr4-169433136-A-C.
Other names: c.481A>C, p.Lys161Gln (NM_016081.4); short protein forms K161Q.
Identifiers: ClinVar variation 1743334 (VCV001743334.3), dbSNP rs140141433, ClinGen allele CA3135379.
Genomic context (GRCh38, chr4:168,511,985, plus strand): 5'-GAAAAGCGTGGTGCAAAAACTCCCAGCACAAACGTAAAGCCCAAAACGCCACATCAAAGA[A>C]AGGGTGGCCCCCAGAGCCAGCTGTGTGACAAGGCAGCTAATTTAATTGAGGAGCTAACAT-3'
Protein context (NP_001159580.1, residues 151-171): NVKPKTPHQR[Lys161Gln]GGPQSQLCDK

ClinVar aggregate classification (germline): Uncertain significance (1 of 4 stars; one submission).

Allele frequency attached by ClinVar (database versions not stated): gnomAD exomes below 0.00001; ExAC 0.00002; TOPMed 0.00002; gnomAD 0.00003; ESP Exome Variant Server 0.00015.
gnomAD v4.1: 7 of 1,614,104 alleles (0.00043%); highest among the groups gnomAD compares: African/African-American, 0.0093%; no homozygotes.

Submission:

Ambry Genetics
Classification: Uncertain significance. Last evaluated: 2024-11-15. Review status: criteria provided, single submitter. Criteria: Ambry Variant Classification Scheme 2023. Collection method: clinical testing. Allele origin: germline.
Comment: The p.K161Q variant (also known as c.481A>C), located in coding exon 1 of the PALLD gene, results from an A to C substitution at nucleotide position 481. The lysine at codon 161 is replaced by glutamine, an amino acid with similar properties. This amino acid position is conserved. In addition, this alteration is predicted to be tolerated by in silico analysis. Since supporting evidence is limited at this time, the clinical significance of this alteration remains unclear.